The following is an entry in ClinVar:

NM_006079.5(CITED2):c.446C>T (p.Thr149Ile)

Gene: CITED2 (Cbp/p300 interacting transactivator with Glu/Asp rich carboxy-terminal domain 2; minus strand). Cytogenetic location: 6q24.1.
Variant type: single nucleotide variant.
Coding change: c.446C>T on transcript NM_006079.5 (MANE Select); coding-DNA position 446, C replaced by T.
Protein change: p.Thr149Ile; replaces threonine 149 with isoleucine.
Molecular consequence: missense variant.
Genome position (GRCh38, 1-based): chr6:139,373,499, G>A on the plus strand (C>T on the coding strand, the complement: CITED2 is on the minus strand). VCF-style: chr6-139373499-G-A. GRCh37 (hg19) VCF-style: chr6-139694636-G-A.
Other names: c.446C>T, p.Thr149Ile (NM_001168388.3); c.461C>T, p.Thr154Ile (NM_001168389.3); short protein forms T149I, T154I.
Identifiers: ClinVar variation 2632780 (VCV002632780.1), dbSNP rs774298334, ClinGen allele CA4025627.

ClinVar aggregate classification (germline): Uncertain significance (1 of 4 stars; one submission).

Conditions:
CITED2-related disorder. Also called: CITED2-related condition.

Allele frequency attached by ClinVar (database versions not stated): ExAC 0.00002.
gnomAD v4.1: 5 of 1,612,916 alleles (0.00031%); highest among the groups gnomAD compares: East Asian, 0.011%; no homozygotes.

Submission:

PreventionGenetics, part of Exact Sciences
Classification: Uncertain significance for CITED2-related condition. Last evaluated: 2023-04-20. Review status: criteria provided, single submitter. Criteria: ACMG Guidelines, 2015. Collection method: clinical testing. Allele origin: germline.
Comment: The CITED2 c.461C>T variant is predicted to result in the amino acid substitution p.Thr154Ile. To our knowledge, this variant has not been reported in the literature. This variant is reported in 0.022% of alleles in individuals of East Asian descent in gnomAD. At this time, the clinical significance of this variant is uncertain due to the absence of conclusive functional and genetic evidence.